The following is an entry in ClinVar:

ClinVar aggregate classification (germline): Uncertain significance (1 of 4 stars; one submission).

gnomAD v4.1: 1 of 1,207,334 alleles (0.000083%); highest among the groups gnomAD compares: Non-Finnish European, 0.00011%; no homozygotes.

Submission:

GeneDx
Classification: Uncertain significance. Last evaluated: 2024-05-06. Review status: criteria provided, single submitter. Criteria: GeneDx Variant Classification Process June 2021. Collection method: clinical testing. Allele origin: germline. Affected: yes.
Comment: Not observed at significant frequency in large population cohorts (gnomAD); In silico analysis indicates that this missense variant does not alter protein structure/function; Has not been previously published as pathogenic or benign to our knowledge

NM_001379110.1(SLC9A6):c.1844C>G (p.Ser615Cys)

Gene: SLC9A6 (solute carrier family 9 member A6; plus strand). Cytogenetic location: Xq26.3.
Variant type: single nucleotide variant.
Coding change: c.1844C>G on transcript NM_001379110.1 (MANE Select); coding-DNA position 1844, C replaced by G.
Protein change: p.Ser615Cys; replaces serine 615 with cysteine.
Molecular consequence: missense variant.
Genome position (GRCh38, 1-based): chrX:136,044,528, C>G. VCF-style: chrX-136044528-C-G. GRCh37 (hg19) VCF-style: chrX-135126687-C-G.
Other names: c.1910C>G, p.Ser637Cys (NM_001042537.2); c.1754C>G, p.Ser585Cys (NM_001177651.2, NM_001400909.1, NM_001400910.1 and 2 more transcripts); c.1658C>G, p.Ser553Cys (NM_001330652.2, NM_001400913.1); c.1814C>G, p.Ser605Cys (NM_006359.3); short protein forms S553C, S585C, S605C, S615C, S637C.
Identifiers: ClinVar variation 3376117 (VCV003376117.1).